The following is an entry in ClinVar:

NM_000528.4(MAN2B1):c.1009C>T (p.Arg337Trp)

Gene: MAN2B1 (mannosidase alpha class 2B member 1; minus strand). Cytogenetic location: 19p13.13.
Variant type: single nucleotide variant.
Coding change: c.1009C>T on transcript NM_000528.4 (MANE Select); coding-DNA position 1009, C replaced by T.
Protein change: p.Arg337Trp; replaces arginine 337 with tryptophan.
Molecular consequence: missense variant.
Genome position (GRCh38, 1-based): chr19:12,661,277, G>A on the plus strand (C>T on the coding strand, the complement: MAN2B1 is on the minus strand). VCF-style: chr19-12661277-G-A. GRCh37 (hg19) VCF-style: chr19-12772091-G-A.
Other names: c.1009C>T (NM_000528.3); c.1009C>T, p.Arg337Trp (NM_001173498.2); short protein forms R337W.
Identifiers: ClinVar variation 2144033 (VCV002144033.2), dbSNP rs774303432, ClinGen allele CA9226642.

ClinVar aggregate classification (germline): Uncertain significance. Review status: criteria provided, multiple submitters, no conflicts (2 of 4 stars). 2 submissions from 2 submitters: Uncertain significance (2). Last evaluated 2023-03-02.

Conditions:
Deficiency of alpha-mannosidase (MANSA). Also called: LYSOSOMAL ALPHA-D-MANNOSIDASE DEFICIENCY; Alpha-Mannosidosis; Mannosidosis, alpha-, types I and II. Identifiers: Orphanet 61, MedGen C0024748, MONDO:0009561, OMIM 248500.

Allele frequency attached by ClinVar (database versions not stated): ExAC 0.00004; gnomAD 0.00004; TOPMed 0.00004; gnomAD exomes 0.00015.

Submissions (2):

GeneDx
Classification: Uncertain significance. Last evaluated: 2023-03-02. Review status: criteria provided, single submitter. Criteria: GeneDx Variant Classification Process June 2021. Collection method: clinical testing. Allele origin: germline. Affected: yes.
Comment: In silico analysis supports that this missense variant has a deleterious effect on protein structure/function; Has not been previously published as pathogenic or benign to our knowledge

Labcorp Genetics (formerly Invitae), Labcorp
Classification: Uncertain significance for Deficiency of alpha-mannosidase. Last evaluated: 2022-07-29. Review status: criteria provided, single submitter. Criteria: Invitae Variant Classification Sherloc (09022015). Collection method: clinical testing. Allele origin: germline.
Comment: This sequence change replaces arginine, which is basic and polar, with tryptophan, which is neutral and slightly polar, at codon 337 of the MAN2B1 protein (p.Arg337Trp). This variant is present in population databases (rs774303432, gnomAD 0.02%). This variant has not been reported in the literature in individuals affected with MAN2B1-related conditions. Algorithms developed to predict the effect of missense changes on protein structure and function are either unavailable or do not agree on the potential impact of this missense change (SIFT: "Deleterious"; PolyPhen-2: "Possibly Damaging"; Align-GVGD: "Class C0"). In summary, the available evidence is currently insufficient to determine the role of this variant in disease. Therefore, it has been classified as a Variant of Uncertain Significance.